The following is an entry in ClinVar:

NM_001136193.2(FASTKD2):c.298G>T (p.Ala100Ser)

Gene: FASTKD2 (FAST kinase domains 2; plus strand). Cytogenetic location: 2q33.3.
Variant type: single nucleotide variant.
Coding change: c.298G>T on transcript NM_001136193.2 (MANE Select); coding-DNA position 298, G replaced by T.
Protein change: p.Ala100Ser; replaces alanine 100 with serine.
Molecular consequence: missense variant.
Genome position (GRCh38, 1-based): chr2:206,766,991, G>T. VCF-style: chr2-206766991-G-T. GRCh37 (hg19) VCF-style: chr2-207631715-G-T.
Other names: p.A100S:GCC>TCC; c.298G>T, p.Ala100Ser (NM_001136194.2, NM_014929.4); short protein forms A100S.
Identifiers: ClinVar variation 214344 (VCV000214344.8), dbSNP rs773754189, ClinGen allele CA320128.

ClinVar aggregate classification (germline): Uncertain significance. Review status: criteria provided, multiple submitters, no conflicts (2 of 4 stars). 4 submissions from 4 submitters: Uncertain significance (4). Last evaluated 2024-08-19.

Conditions:
Combined oxidative phosphorylation deficiency 44. Also called: FASTKD2-Related Combined Oxidative Phosphorylation Deficiency. Identifiers: MedGen C5394293, MONDO:0030020, OMIM 618855.
Inborn genetic diseases. Identifiers: MedGen C0950123, MeSH D030342.

Allele frequency attached by ClinVar (database versions not stated): ExAC 0.00001; gnomAD exomes 0.00002; gnomAD 0.00006 and 0.00007; TOPMed 0.00006.
gnomAD v4.1: 38 of 1,613,044 alleles (0.0024%); highest among the groups gnomAD compares: Admixed American, 0.018%; no homozygotes.

Submissions (4):

Ambry Genetics
Classification: Uncertain significance for Inborn genetic diseases. Last evaluated: 2024-08-19. Review status: criteria provided, single submitter. Criteria: Ambry Variant Classification Scheme 2023. Collection method: clinical testing. Allele origin: germline.

Labcorp Genetics (formerly Invitae), Labcorp
Classification: Uncertain significance. Last evaluated: 2024-07-15. Review status: criteria provided, single submitter. Criteria: Invitae Variant Classification Sherloc (09022015). Collection method: clinical testing. Allele origin: germline.
Comment: This sequence change replaces alanine, which is neutral and non-polar, with serine, which is neutral and polar, at codon 100 of the FASTKD2 protein (p.Ala100Ser). This variant is present in population databases (rs773754189, gnomAD 0.01%). This variant has not been reported in the literature in individuals affected with FASTKD2-related conditions. ClinVar contains an entry for this variant (Variation ID: 214344). An algorithm developed to predict the effect of missense changes on protein structure and function outputs the following: PolyPhen-2: "Benign". The serine amino acid residue is found in multiple mammalian species, which suggests that this missense change does not adversely affect protein function. In summary, the available evidence is currently insufficient to determine the role of this variant in disease. Therefore, it has been classified as a Variant of Uncertain Significance.

Fulgent Genetics
Classification: Uncertain significance for Combined oxidative phosphorylation deficiency 44. Last evaluated: 2021-10-28. Review status: criteria provided, single submitter. Criteria: ACMG Guidelines, 2015. Collection method: clinical testing. Allele origin: unknown.

GeneDx
Classification: Uncertain significance. Last evaluated: 2018-06-07. Review status: criteria provided, single submitter. Criteria: GeneDx Variant Classification (06012015). Collection method: clinical testing. Allele origin: germline. Affected: yes.
Comment: The A100S variant has not been published as a pathogenic variant, nor has it been reported as a benign variant to our knowledge. The A100S variant is observed in 4/34400 (0.01%) alleles from individuals of Latino background, in large population cohorts (Lek et al., 2016). The A100S variant is a non-conservative amino acid substitution, which is likely to impact secondary protein structure as these residues differ in polarity, charge, size and/or other properties. In-silico analyses, including protein predictors and evolutionary conservation, support that this variant does not alter protein structure/function. In summary, based on the currently available information, it is unclear whether this variant is a pathogenic variant or a rare benign variant.